The following is an entry in ClinVar:

Conditions:
Breast-ovarian cancer, familial, susceptibility to, 1 (BROVCA1). Also called: BRCA1 Hereditary Breast and Ovarian Cancer; OVARIAN CANCER, SUSCEPTIBILITY TO. Identifiers: Orphanet 145, MedGen C2676676, MONDO:0011450, OMIM 604370. Disease mechanism: loss of function.

Submission:

Brotman Baty Institute, University of Washington
No classification provided (evidence only). Condition: Breast-ovarian cancer, familial 1. Review status: no classification provided. Collection method: in vitro. Allele origin: not applicable. Functional consequence: functionally_normal.
ClinVar note: "not provided" was previously submitted as the classification for the variant. However, the classification appeared to be based only on an observation of functional data so it was converted to no classification on 2025-07-30.

NM_007294.4(BRCA1):c.278T>A (p.Phe93Tyr)

Gene: BRCA1 (BRCA1 DNA repair associated; minus strand). Cytogenetic location: 17q21.31.
Variant type: single nucleotide variant.
Coding change: c.278T>A on transcript NM_007294.4 (MANE Select); coding-DNA position 278, T replaced by A.
Protein change: p.Phe93Tyr; replaces phenylalanine 93 with tyrosine.
Molecular consequence: missense variant. On other transcripts: non-coding transcript variant (1).
Genome position (GRCh38, 1-based): chr17:43,104,891, A>T on the plus strand (T>A on the coding strand, the complement: BRCA1 is on the minus strand). VCF-style: chr17-43104891-A-T. GRCh37 (hg19) VCF-style: chr17-41256908-A-T.
Other names: c.137T>A, p.Phe46Tyr (NM_001407696.1, NM_001407697.1, NM_001407698.1 and 99 more transcripts); c.68T>A, p.Phe23Tyr (NM_001407853.1, NM_001407879.1, NM_001407881.1 and 58 more transcripts); c.278T>A, p.Phe93Tyr (NM_001407854.1, NM_001407858.1, NM_001407859.1 and 168 more transcripts); c.200T>A, p.Phe67Tyr (NM_001407862.1, NM_001407874.1, NM_001407875.1 and 21 more transcripts); c.-104T>A (NM_001407959.1, NM_001407960.1, NM_001407962.1 and 4 more transcripts); c.146T>A, p.Phe49Tyr (NM_001408451.1); short protein forms F46Y, F93Y, F67Y, F23Y, F49Y.
Identifiers: ClinVar variation 865359 (VCV000865359.3), dbSNP rs2054677399, ClinGen allele CA10601600.